The following is an entry in ClinVar:

ClinVar aggregate classification (germline): Likely benign (1 of 4 stars; one submission).

Conditions:
Familial adenomatous polyposis 2. Also called: COLORECTAL ADENOMATOUS POLYPOSIS, AUTOSOMAL RECESSIVE; ADENOMAS, MULTIPLE COLORECTAL, AUTOSOMAL RECESSIVE; MYH-associated polyposis; MUTYH-associated polyposis; MUTYH-related attenuated familial adenomatous polyposis; MUTYH Polyposis. Identifiers: Orphanet 220460, Orphanet 247798, MedGen C3272841, MONDO:0012041, OMIM 608456.

Submission:

All of Us Research Program, National Institutes of Health
Classification: Likely benign for Familial adenomatous polyposis 2. Last evaluated: 2023-02-15. Review status: criteria provided, single submitter. Criteria: ACMG Guidelines, 2015. Collection method: clinical testing. Allele origin: germline. Inheritance: Autosomal recessive inheritance. Observed: 1 variant allele, 1 heterozygote.
Comment: This study involves interpretation of variants in research participants for the purpose of population health screening. Participant phenotype was not available at the time of variant classification. Additional details can be found in publication PMID: 35346344, PMCID: PMC8962531

NM_001048174.2(MUTYH):c.945G>C (p.Leu315=)

Gene: MUTYH (mutY DNA glycosylase; minus strand). Cytogenetic location: 1p34.1.
Variant type: single nucleotide variant.
Coding change: c.945G>C on transcript NM_001048174.2 (MANE Select); coding-DNA position 945, G replaced by C.
Protein change: p.Leu315=; no amino-acid change (leucine 315 retained).
Molecular consequence: synonymous variant. On other transcripts: non-coding transcript variant (7).
Genome position (GRCh38, 1-based): chr1:45,331,818, C>G on the plus strand (G>C on the coding strand, the complement: MUTYH is on the minus strand). VCF-style: chr1-45331818-C-G. GRCh37 (hg19) VCF-style: chr1-45797490-C-G.
Other names: c.945G>C, p.Leu315= (NM_001048171.2, NM_001048173.2, NM_001293195.2 and 6 more transcripts); c.948G>C, p.Leu316= (NM_001048172.2, NM_001407071.1, NM_001407078.1 and 1 more transcripts); c.1029G>C, p.Leu343= (NM_001128425.2); c.990G>C, p.Leu330= (NM_001293190.2); c.978G>C, p.Leu326= (NM_001293191.2, NM_001407069.1, NM_001407077.1); c.669G>C, p.Leu223= (NM_001293192.2, NM_001293196.2, NM_001407091.1); c.600G>C, p.Leu200= (NM_001350650.2, NM_001350651.2, NM_001407082.1); c.861G>C, p.Leu287= (NM_001407075.1); and 5 more.
Identifiers: ClinVar variation 3069408 (VCV003069408.1), dbSNP rs2149129248, ClinGen allele CA417879796.
Genomic context (GRCh38, chr1:45,331,818, plus strand): 5'-GCTGGCCTTTCTGGGGAAGTTGACCACTCCCAGGGTCTGGTCCCAGGGCTCCGAGGGAGG[C>G]AGGCACAGGTGGCACTGTCCAGTGTTGGGAGCTGGGAACGGAGATCCCCGAACCCTACTC-3'
Protein context (NP_001041639.1, residues 305-325): APNTGQCHLC[Leu315=]PPSEPWDQTL